The following is an entry in ClinVar:

NM_002230.4(JUP):c.2158A>G (p.Met720Val)

Gene: JUP (junction plakoglobin; minus strand). Cytogenetic location: 17q21.2.
Variant type: single nucleotide variant.
Coding change: c.2158A>G on transcript NM_002230.4 (MANE Select); coding-DNA position 2158, A replaced by G.
Protein change: p.Met720Val; replaces methionine 720 with valine.
Molecular consequence: missense variant.
Genome position (GRCh38, 1-based): chr17:41,755,824, T>C on the plus strand (A>G on the coding strand, the complement: JUP is on the minus strand). VCF-style: chr17-41755824-T-C. GRCh37 (hg19) VCF-style: chr17-39912076-T-C.
Other names: c.2158A>G, p.Met720Val (NM_001352773.2, NM_001352774.2, NM_001352775.2 and 3 more transcripts); short protein forms M720V.
Identifiers: ClinVar variation 1786838 (VCV001786838.6), dbSNP rs782191490, ClinGen allele CA8564995.

ClinVar aggregate classification (germline): Conflicting classifications of pathogenicity. Review status: criteria provided, conflicting classifications (1 of 4 stars). 2 submissions from 2 submitters: Uncertain significance (1); Likely benign (1). Last evaluated 2024-11-11.

Conditions:
Cardiovascular phenotype. Identifiers: MedGen CN230736.
Arrhythmogenic right ventricular dysplasia 12. Also called: ARRHYTHMOGENIC RIGHT VENTRICULAR DYSPLASIA, FAMILIAL, 12. Identifiers: MedGen C1969081, MONDO:0012684, OMIM 611528.
Naxos disease (NXD). Also called: CARDIOMYOPATHY, ARRHYTHMOGENIC RIGHT VENTRICULAR, WITH SKIN, HAIR, AND NAIL ABNORMALITIES; KERATOSIS PALMOPLANTARIS WITH ARRHYTHMOGENIC CARDIOMYOPATHY; MAL DE NAXOS; PALMOPLANTAR KERATODERMA WITH ARRHYTHMOGENIC RIGHT VENTRICULAR CARDIOMYOPATHY AND WOOLLY HAIR; WOOLLY HAIR, PALMOPLANTAR KERATODERMA, AND CARDIAC ABNORMALITIES. Identifiers: Orphanet 34217, MedGen C1832600, MONDO:0011017, OMIM 601214.

Allele frequency attached by ClinVar (database versions not stated): ExAC 0.00001; gnomAD exomes 0.00001; TOPMed 0.00002.
gnomAD v4.1: 6 of 1,613,404 alleles (0.00037%); highest among the groups gnomAD compares: South Asian, 0.0022%; no homozygotes.

Submissions (2):

Labcorp Genetics (formerly Invitae), Labcorp
Classification: Uncertain significance for Arrhythmogenic right ventricular dysplasia 12; Naxos disease. Last evaluated: 2024-11-11. Review status: criteria provided, single submitter. Criteria: Invitae Variant Classification Sherloc (09022015). Collection method: clinical testing. Allele origin: germline.
Comment: This sequence change replaces methionine, which is neutral and non-polar, with valine, which is neutral and non-polar, at codon 720 of the JUP protein (p.Met720Val). This variant is present in population databases (rs782191490, gnomAD 0.003%). This variant has not been reported in the literature in individuals affected with JUP-related conditions. ClinVar contains an entry for this variant (Variation ID: 1786838). An algorithm developed to predict the effect of missense changes on protein structure and function outputs the following: PolyPhen-2: "Benign". The valine amino acid residue is found in multiple mammalian species, which suggests that this missense change does not adversely affect protein function. In summary, the available evidence is currently insufficient to determine the role of this variant in disease. Therefore, it has been classified as a Variant of Uncertain Significance.

Ambry Genetics
Classification: Likely benign for Cardiovascular phenotype. Last evaluated: 2024-08-20. Review status: criteria provided, single submitter. Criteria: Ambry Variant Classification Scheme 2023. Collection method: clinical testing. Allele origin: germline.